The following is an entry in ClinVar:

NM_001291303.3(FAT4):c.12739A>C (p.Ser4247Arg)

Gene: FAT4 (FAT atypical cadherin 4; plus strand). Cytogenetic location: 4q28.1.
Variant type: single nucleotide variant.
Coding change: c.12739A>C on transcript NM_001291303.3 (MANE Select); coding-DNA position 12739, A replaced by C.
Protein change: p.Ser4247Arg; replaces serine 4247 with arginine.
Molecular consequence: missense variant.
Genome position (GRCh38, 1-based): chr4:125,481,655, A>C. VCF-style: chr4-125481655-A-C. GRCh37 (hg19) VCF-style: chr4-126402810-A-C.
Other names: c.12739A>C, p.Ser4247Arg (NM_001291285.3); c.12733A>C, p.Ser4245Arg (NM_024582.6); short protein forms S4245R, S4247R.
Identifiers: ClinVar variation 3614761 (VCV003614761.2).

ClinVar aggregate classification (germline): Uncertain significance (1 of 4 stars; one submission).

gnomAD v4.1: 5 of 1,613,968 alleles (0.00031%); highest among the groups gnomAD compares: Admixed American, 0.0083%; no homozygotes.

Submission:

Labcorp Genetics (formerly Invitae), Labcorp
Classification: Uncertain significance. Last evaluated: 2024-10-23. Review status: criteria provided, single submitter. Criteria: Invitae Variant Classification Sherloc (09022015). Collection method: clinical testing. Allele origin: germline.
Comment: This sequence change replaces serine, which is neutral and polar, with arginine, which is basic and polar, at codon 4245 of the FAT4 protein (p.Ser4245Arg). This variant is present in population databases (no rsID available, gnomAD 0.003%). This variant has not been reported in the literature in individuals affected with FAT4-related conditions. Invitae Evidence Modeling of protein sequence and biophysical properties (such as structural, functional, and spatial information, amino acid conservation, physicochemical variation, residue mobility, and thermodynamic stability) indicates that this missense variant is not expected to disrupt FAT4 protein function with a negative predictive value of 95%. In summary, the available evidence is currently insufficient to determine the role of this variant in disease. Therefore, it has been classified as a Variant of Uncertain Significance.